The following is an entry in ClinVar:

ClinVar aggregate classification (germline): Uncertain significance (1 of 4 stars; one submission).

Conditions:
Glycogen storage disease, type II (IOPD). Also called: Glucosidase acid-1,4-alpha deficiency; Pompe Disease; POMPE DISEASE, INFANTILE-ONSET; GLYCOGEN STORAGE DISEASE II, INFANTILE-ONSET; ACID ALPHA-GLUCOSIDASE DEFICIENCY, INFANTILE-ONSET; GAA DEFICIENCY, INFANTILE-ONSET. Identifiers: Orphanet 365, MedGen C0017921, MONDO:0009290, OMIM 232300.

Submission:

Labcorp Genetics (formerly Invitae), Labcorp
Classification: Uncertain significance for Glycogen storage disease, type II. Last evaluated: 2020-12-01. Review status: criteria provided, single submitter. Criteria: Invitae Variant Classification Sherloc (09022015). Collection method: clinical testing. Allele origin: germline.
Comment: This variant is not present in population databases (ExAC no frequency). This sequence change replaces phenylalanine with serine at codon 128 of the GAA protein (p.Phe128Ser). The phenylalanine residue is highly conserved and there is a large physicochemical difference between phenylalanine and serine. This variant has not been reported in the literature in individuals with GAA-related conditions. In summary, the available evidence is currently insufficient to determine the role of this variant in disease. Therefore, it has been classified as a Variant of Uncertain Significance. Algorithms developed to predict the effect of missense changes on protein structure and function (SIFT, PolyPhen-2, Align-GVGD) all suggest that this variant is likely to be disruptive, but these predictions have not been confirmed by published functional studies and their clinical significance is uncertain.

NM_000152.5(GAA):c.383T>C (p.Phe128Ser)

Gene: GAA (alpha glucosidase; plus strand). Cytogenetic location: 17q25.3.
Variant type: single nucleotide variant.
Coding change: c.383T>C on transcript NM_000152.5 (MANE Select); coding-DNA position 383, T replaced by C.
Protein change: p.Phe128Ser; replaces phenylalanine 128 with serine.
Molecular consequence: missense variant.
Genome position (GRCh38, 1-based): chr17:80,104,969, T>C. VCF-style: chr17-80104969-T-C. GRCh37 (hg19) VCF-style: chr17-78078768-T-C.
Other names: c.383T>C, p.Phe128Ser (NM_001079803.3, NM_001079804.3); short protein forms F128S.
Identifiers: ClinVar variation 842137 (VCV000842137.8), dbSNP rs2039041547, ClinGen allele CA401360986.